The following is an entry in ClinVar:

NM_000492.4(CFTR):c.422C>A (p.Ala141Asp)

Gene: CFTR (CF transmembrane conductance regulator; plus strand). Cytogenetic location: 7q31.2.
Variant type: single nucleotide variant.
Coding change: c.422C>A on transcript NM_000492.4 (MANE Select); coding-DNA position 422, C replaced by A.
Protein change: p.Ala141Asp; replaces alanine 141 with aspartic acid.
Molecular consequence: missense variant.
Genome position (GRCh38, 1-based): chr7:117,531,047, C>A. VCF-style: chr7-117531047-C-A. GRCh37 (hg19) VCF-style: chr7-117171101-C-A.
Other names: short protein forms A141D.
Identifiers: ClinVar variation 53924 (VCV000053924.9), dbSNP rs397508700, ClinGen allele CA327458.

ClinVar aggregate classification (germline): Conflicting classifications of pathogenicity. Review status: criteria provided, conflicting classifications (1 of 4 stars). 6 submissions from 6 submitters: Likely pathogenic (4); Uncertain significance (1). 1 of the submissions does not count toward it. Last evaluated 2025-12-08.

Conditions:
CFTR-related disorder (CFTR-RD). Also called: CFTR-related disorders; CFTR-related condition. Identifiers: MedGen C5924204, MONDO:7770004.
Cystic fibrosis (CF). Also called: MUCOVISCIDOSIS. Identifiers: Orphanet 586, MedGen C0010674, MONDO:0009061, OMIM 219700. Disease mechanism: loss of function.

Allele frequency attached by ClinVar (database versions not stated): gnomAD below 0.00001 and 0.00001.
gnomAD v4.1: 2 of 1,613,608 alleles (0.00012%); highest among the groups gnomAD compares: South Asian, 0.0011%; no homozygotes.

Submissions (6):

Labcorp Genetics (formerly Invitae), Labcorp
Classification: Likely pathogenic for Cystic fibrosis. Last evaluated: 2025-12-08. Review status: criteria provided, single submitter. Criteria: Invitae Variant Classification Sherloc (09022015). Collection method: clinical testing. Allele origin: germline.
Comment: This sequence change replaces alanine, which is neutral and non-polar, with aspartic acid, which is acidic and polar, at codon 141 of the CFTR protein (p.Ala141Asp). This variant is not present in population databases (gnomAD no frequency). This missense change has been observed in individual(s) with cystic fibrosis (PMID: 9222768, 30548586, 32429104). In at least one individual the data is consistent with being in trans (on the opposite chromosome) from a pathogenic variant. ClinVar contains an entry for this variant (Variation ID: 53924). Invitae Evidence Modeling of protein sequence and biophysical properties (such as structural, functional, and spatial information, amino acid conservation, physicochemical variation, residue mobility, and thermodynamic stability) indicates that this missense variant is expected to disrupt CFTR protein function with a positive predictive value of 80%. In summary, the currently available evidence indicates that the variant is pathogenic, but additional data are needed to prove that conclusively. Therefore, this variant has been classified as Likely Pathogenic.

Women's Health and Genetics/Laboratory Corporation of America, LabCorp
Classification: Likely pathogenic for Cystic fibrosis. Last evaluated: 2025-04-10. Review status: criteria provided, single submitter. Criteria: LabCorp Variant Classification Summary - May 2015. Collection method: clinical testing. Allele origin: germline.
Comment: Variant summary: CFTR c.422C>A (p.Ala141Asp) results in a non-conservative amino acid change in the encoded protein sequence. Four of five in-silico tools predict a damaging effect of the variant on protein function. The variant was absent in 250646 control chromosomes. c.422C>A has been observed in individuals affected with Cystic Fibrosis including as a compound heterozygous or unknown genotype (e.g., Claustres_2000, Gouya_1997, Kambouris_2000, Petrova_2018). These data indicate that the variant may be associated with disease. At least one publication reports experimental evidence evaluating an impact on protein function. The most pronounced variant effect resulted in approximately 1.7% of normal chloride channel conductance relative to wild type (e.g., Bihler_2024). The following publications have been ascertained in the context of this evaluation (PMID: 38388235, 10923036, 9222768, 10834512, 32429104). ClinVar contains an entry for this variant (Variation ID: 53924). Based on the evidence outlined above, the variant was classified as likely pathogenic.

Natera, Inc.
Classification: Likely pathogenic for CFTR-related disorders. Last evaluated: 2024-09-30. Review status: criteria provided, single submitter. Criteria: Natera Variant Classification Schema (03/2026). Collection method: clinical testing. Allele origin: germline.
Comment: The c.422C>A variant in CFTR is a missense variant predicted to cause substitution of alanine to aspartic acid at amino acid 141. This variant is rare in the general population with a frequency below the threshold expected for the associated phenotype(s). This variant has been observed in one or more individuals affected with the associated recessive disease, as either homozygous or compound heterozygous with a second variant (PMID: 30548586, 9222768). Computational prediction algorithms indicate this variant is likely to affect gene or protein function. Given the available evidence, this variant is classified as Likely Pathogenic.

Ambry Genetics
Classification: Uncertain significance for Cystic fibrosis. Last evaluated: 2024-01-25. Review status: criteria provided, single submitter. Criteria: Ambry Variant Classification Scheme 2023. Collection method: clinical testing. Allele origin: germline.
Comment: The p.A141D variant (also known as c.422C>A), located in coding exon 4 of the CFTR gene, results from a C to A substitution at nucleotide position 422. The alanine at codon 141 is replaced by aspartic acid, an amino acid with dissimilar properties. This alteration has been identified in multiple individuals diagnosed with cystic fibrosis (Gouya L et al. Hum Mutat, 1997;10:86-7; Kambouris M et al. Eur J Pediatr, 2000 May;159:303-9; Petrova NV et al. Genes (Basel), 2020 May;11:). This amino acid position is highly conserved in available vertebrate species. In addition, this alteration is predicted to be deleterious by in silico analysis. Based on the available evidence, the clinical significance of this alteration remains unclear.

Johns Hopkins Genomics, Johns Hopkins University
Classification: Likely pathogenic for Cystic fibrosis. Last evaluated: 2019-10-04. Review status: criteria provided, single submitter. Criteria: ACMG Guidelines, 2015. Collection method: clinical testing. Allele origin: germline.
Comment: This CFTR variant is absent from large population datasets. This variant is present in ClinVar by one submitter, however a classification was not provided. Multiple patients have been reported to carry this variant along with a second disease-causing CFTR variant; in one of these cases the variants were confirmed to be on opposite chromosomes (in trans). Of two bioinformatics tools queried, one predicts that the substitution would be possibly damaging, while the second predicts that it would be tolerated. The alanine residue at this position is highly evolutionarily conserved across most species assessed. We consider this variant likely pathogenic.

ClinVar Staff, National Center for Biotechnology Information (NCBI)
No classification provided. Condition: CFTR-related disorders. Review status: no classification provided. Collection method: literature only. Allele origin: germline. Affected: yes. Not counted in ClinVar's aggregate classification.

Literature cited by the submitters: PubMed 9222768 (cited by 5 submitters); PubMed 30548586 (cited by Labcorp Genetics (formerly Invitae), Labcorp and Natera, Inc.); PubMed 32429104 (cited by 3 submitters); PubMed 10923036 (cited by Women's Health and Genetics/Laboratory Corporation of America, LabCorp); PubMed 10834512 (cited by Women's Health and Genetics/Laboratory Corporation of America, LabCorp and Ambry Genetics); PubMed 38388235 (cited by Women's Health and Genetics/Laboratory Corporation of America, LabCorp).